The following is an entry in ClinVar:

ClinVar aggregate classification (germline): Uncertain significance (0 of 4 stars; one submission).

Conditions:
LRRC45-related disorder. Also called: LRRC45-related condition.

Submission:

PreventionGenetics, part of Exact Sciences
Classification: Uncertain significance for LRRC45-related condition. Last evaluated: 2024-08-29. Review status: no assertion criteria provided. Collection method: clinical testing. Allele origin: germline.
Comment: The LRRC45 c.1958C>T variant is predicted to result in the amino acid substitution p.Ala653Val. To our knowledge, this variant has not been reported in the literature or in a large population database), indicating this variant is rare. At this time, the clinical significance of this variant is uncertain due to the absence of conclusive functional and genetic evidence.

NM_144999.4(LRRC45):c.1958C>T (p.Ala653Val)

Gene: LRRC45 (leucine rich repeat containing 45; plus strand). Cytogenetic location: 17q25.3.
Variant type: single nucleotide variant.
Coding change: c.1958C>T on transcript NM_144999.4 (MANE Select); coding-DNA position 1958, C replaced by T.
Protein change: p.Ala653Val; replaces alanine 653 with valine.
Molecular consequence: missense variant.
Genome position (GRCh38, 1-based): chr17:82,030,750, C>T. VCF-style: chr17-82030750-C-T. GRCh37 (hg19) VCF-style: chr17-79988626-C-T.
Other names: short protein forms A653V.
Identifiers: ClinVar variation 3346390 (VCV003346390.1).